The following is an entry in ClinVar:

NM_014847.4(UBAP2L):c.2239C>T (p.Pro747Ser)

Gene: UBAP2L (ubiquitin associated protein 2 like; plus strand). Cytogenetic location: 1q21.3.
Variant type: single nucleotide variant.
Coding change: c.2239C>T on transcript NM_014847.4 (MANE Select); coding-DNA position 2239, C replaced by T.
Protein change: p.Pro747Ser; replaces proline 747 with serine.
Molecular consequence: missense variant.
Genome position (GRCh38, 1-based): chr1:154,257,144, C>T. VCF-style: chr1-154257144-C-T. GRCh37 (hg19) VCF-style: chr1-154229620-C-T.
Other names: c.2239C>T, p.Pro747Ser (NM_001127320.3, NM_001375614.1, NM_001375615.1 and 14 more transcripts); c.2218C>T, p.Pro740Ser (NM_001287815.1); c.2272C>T, p.Pro758Ser (NM_001287816.1, NM_001330730.1, NM_001375612.1 and 2 more transcripts); short protein forms P740S, P747S, P758S.
Identifiers: ClinVar variation 4086668 (VCV004086668.1).
Genomic context (GRCh38, chr1:154,257,144, plus strand): 5'-GCGAATCTCCATTCTTCCTCCAGCACTTTTTCCACCACATCCAGCACAGTCTCTGCACCT[C>T]CCCCAGTGGTCAGTGTCTCCTCCAGTCTCAATAGTGGCAGTAGCCTGGGCCTCAGCCTAG-3'
Protein context (NP_055662.3, residues 737-757): STTSSTVSAP[Pro747Ser]PVVSVSSSLN

ClinVar aggregate classification (germline): Uncertain significance (1 of 4 stars; one submission).

Submission:

GeneDx
Classification: Uncertain significance. Last evaluated: 2025-03-17. Review status: criteria provided, single submitter. Criteria: GeneDx Variant Classification Process June 2021. Collection method: clinical testing. Allele origin: germline. Affected: yes.
Comment: Not observed at significant frequency in large population cohorts (gnomAD); In silico analysis indicates that this missense variant does not alter protein structure/function; Has not been previously published as pathogenic or benign to our knowledge